The following is an entry in ClinVar:

ClinVar aggregate classification (germline): Likely benign (1 of 4 stars; one submission).

Allele frequency attached by ClinVar (database versions not stated): gnomAD exomes below 0.00001.
gnomAD v4.1: 2 of 1,572,116 alleles (0.00013%); highest among the groups gnomAD compares: Middle Eastern, 0.034%; no homozygotes.

Submission:

Laboratory for Molecular Medicine, Mass General Brigham Personalized Medicine
Classification: Likely benign. Last evaluated: 2014-06-19. Review status: criteria provided, single submitter. Criteria: LMM Criteria. Collection method: clinical testing. Allele origin: germline. Observed: 1 variant allele.
Comment: Pro1783Pro in exon 33 of PCDH15: This variant is not expected to have clinical s ignificance because it does not alter an amino acid residue and is not located w ithin the splice consensus sequence.

NM_033056.4(PCDH15):c.5349T>G (p.Pro1783=)

Gene: PCDH15 (protocadherin related 15; minus strand). Cytogenetic location: 10q21.1.
Variant type: single nucleotide variant.
Coding change: c.5349T>G on transcript NM_033056.4 (MANE Plus Clinical); coding-DNA position 5349, T replaced by G.
Protein change: p.Pro1783=; no amino-acid change (proline 1783 retained).
Molecular consequence: synonymous variant. On other transcripts: intron variant (8).
Genome position (GRCh38, 1-based): chr10:53,822,377, A>C on the plus strand (T>G on the coding strand, the complement: PCDH15 is on the minus strand). VCF-style: chr10-53822377-A-C. GRCh37 (hg19) VCF-style: chr10-55582137-A-C.
Other names: c.5370T>G, p.Pro1790= (NM_001142763.2); c.5355T>G, p.Pro1785= (NM_001142764.2); c.5142T>G, p.Pro1714= (NM_001142765.2); c.5340T>G, p.Pro1780= (NM_001142766.2); c.5229T>G, p.Pro1743= (NM_001142767.2); c.5289T>G, p.Pro1763= (NM_001142768.2); c.5280T>G, p.Pro1760= (NM_001142773.2); c.5283T>G, p.Pro1761= (NM_001354404.2); and 7 more.
Identifiers: ClinVar variation 179769 (VCV000179769.5), dbSNP rs727505113, ClinGen allele CA185100.
Genomic context (GRCh38, chr10:53,822,377, plus strand): 5'-AGACGTTGAAACGGAAAGTGGAAAAAATGTAGGAGGAGGAAGAGGAAGAGGGATAGAAGG[A>C]GGAGAGGGAGGAGGACAAAAAAGAGAAAAAGGAGAAATGTCAGGAGGAGGAGCAAGAGGA-3'
Protein context (NP_149045.3, residues 1773-1793): PFSLFCPPPS[Pro1783=]PSIPLPLPPP